The following is an entry in ClinVar:

ClinVar aggregate classification (germline): Pathogenic. Review status: criteria provided, single submitter (1 of 4 stars). 2 submissions from 2 submitters: Pathogenic (1). 1 of the submissions does not count toward it. Last evaluated 2014-12-20.

Conditions:
Severe myoclonic epilepsy in infancy (DRVT). Also called: SEVERE MYOCLONIC EPILEPSY OF INFANCY; DEVELOPMENTAL AND EPILEPTIC ENCEPHALOPATHY 6A; Severe Myoclonic Epilepsy in Infancy (SMEI); Dravet syndrome; Epileptic encephalopathy, early infantile, 6 (Dravet syndrome). Identifiers: Orphanet 33069, MedGen C0751122, MONDO:0100135, OMIM 607208.

Submissions (2):

Center for Bioinformatics, Peking University
Classification: Pathogenic for Dravet syndrome. Last evaluated: 2014-12-20. Review status: criteria provided, single submitter. Criteria: Xu et al. (Hum Mutat. 2015). Collection method: research. Allele origin: de novo. Affected: yes. Observed: 1 variant allele. Study: University Clinical Cooperation “985 Project” PKU-2014-1-1.
Comment: Dravet syndrome (DS) probands were recruited from the outpatient and inpatient child neurology units of Peking University First Hospital from 2005 till present. The study was approved by the Ethics Committee of Peking University First Hospital and the Institutional Review Board at Peking University. Participants or their parents provided written informed consent before enrollment. We collected a total of 267 mutations from 255 families with probands diagnosed with DS in China. All probands fulfilled the clinical diagnostic criteria.

UniProtKB/Swiss-Prot
No classification provided. Condition: Severe myoclonic epilepsy in infancy. Review status: no classification provided. Collection method: not provided. Allele origin: germline. Not counted in ClinVar's aggregate classification.

NM_001165963.4(SCN1A):c.5346C>G (p.Ile1782Met)

Genes: SCN1A (sodium voltage-gated channel alpha subunit 1; minus strand), LOC102724058 (uncharacterized LOC102724058; plus strand). Cytogenetic location: 2q24.3.
Variant type: single nucleotide variant.
Coding change: c.5346C>G on transcript NM_001165963.4 (MANE Select); coding-DNA position 5346, C replaced by G.
Protein change: p.Ile1782Met; replaces isoleucine 1782 with methionine.
Molecular consequence: missense variant. On other transcripts: non-coding transcript variant (1).
Genome position (GRCh38, 1-based): chr2:165,991,929, G>C on the plus strand (C>G on the coding strand, the complement: SCN1A is on the minus strand). VCF-style: chr2-165991929-G-C. GRCh37 (hg19) VCF-style: chr2-166848439-G-C.
Other names: c.5262C>G, p.Ile1754Met (NM_001165964.3, NM_001353957.2, NM_001353958.2); c.5346C>G, p.Ile1782Met (NM_001202435.3, NM_001353948.2); c.5313C>G, p.Ile1771Met (NM_001353949.2, NM_001353950.2, NM_001353951.2 and 2 more transcripts); c.5310C>G, p.Ile1770Met (NM_001353954.2, NM_001353955.2); c.5259C>G, p.Ile1753Met (NM_001353960.2); c.2904C>G, p.Ile968Met (NM_001353961.2); short protein forms I1771M, I1782M, I1753M, I1754M, I1770M, I968M.
Identifiers: ClinVar variation 68659 (VCV000068659.1), dbSNP rs121918763, ClinGen allele CA285234.